The following is an entry in ClinVar:

ClinVar aggregate classification (germline): Benign/Likely benign. Review status: criteria provided, multiple submitters, no conflicts (2 of 4 stars). 4 submissions from 4 submitters: Benign (1); Likely benign (3). Last evaluated 2026-05-12.

Conditions:
KBG syndrome (KBGS). Also called: ANKRD11-Related KBG Syndrome. Identifiers: Orphanet 2332, MedGen C0220687, MONDO:0007846, OMIM 148050.

Allele frequency attached by ClinVar (database versions not stated): gnomAD exomes 0.00029 and 0.00066; gnomAD 0.00030 and 0.00032; TOPMed 0.00033; ESP Exome Variant Server 0.00038; ExAC 0.00051.
gnomAD v4.1: 508 of 1,608,964 alleles (0.032%); highest among the groups gnomAD compares: Admixed American, 0.035%; 3 homozygotes.

Submissions (4):

Women's Health and Genetics/Laboratory Corporation of America, LabCorp
Classification: Benign. Last evaluated: 2026-05-12. Review status: criteria provided, single submitter. Criteria: LabCorp Variant Classification Summary - May 2015. Collection method: clinical testing. Allele origin: germline.

Labcorp Genetics (formerly Invitae), Labcorp
Classification: Likely benign for KBG syndrome. Last evaluated: 2025-10-10. Review status: criteria provided, single submitter. Criteria: Invitae Variant Classification Sherloc (09022015). Collection method: clinical testing. Allele origin: germline.

Blueprint Genetics
Classification: Likely benign. Last evaluated: 2024-03-15. Review status: criteria provided, single submitter. Criteria: ACMG Guidelines, 2015. Collection method: clinical testing. Allele origin: germline.

CeGaT Center for Human Genetics Tuebingen
Classification: Likely benign. Last evaluated: 2023-10-01. Review status: criteria provided, single submitter. Criteria: CeGaT Center For Human Genetics Tuebingen Variant Classification Criteria Version 2. Collection method: clinical testing. Allele origin: germline. Affected: yes. Observed: 3 variant alleles.
Comment: ANKRD11: BP4, BS1

NM_013275.6(ANKRD11):c.7713+8C>T

Gene: ANKRD11 (ankyrin repeat domain 11; minus strand). Cytogenetic location: 16q24.3.
Variant type: single nucleotide variant.
Coding change: c.7713+8C>T on transcript NM_013275.6 (MANE Select); 8 bases into the intron after coding-DNA position 7713, C replaced by T.
Molecular consequence: intron variant.
Genome position (GRCh38, 1-based): chr16:89,274,806, G>A on the plus strand (C>T on the coding strand, the complement: ANKRD11 is on the minus strand). VCF-style: chr16-89274806-G-A. GRCh37 (hg19) VCF-style: chr16-89341214-G-A.
Other names: c.7713+8C>T (NM_001256183.2, NM_001256182.2).
Identifiers: ClinVar variation 706921 (VCV000706921.34), dbSNP rs200599560, ClinGen allele CA8241054.
Genomic context (GRCh38, chr16:89,274,806, plus strand): 5'-AAGGGGAGGGGAGGCGGGCAGGGTGCAGGCACTTGGACTCATGGGCCTGGCATGCAGACG[G>A]GCCCTACCTGGCTCTCCAGGGGCATGTTGTAGACCTCGGAGTCCAGCAGCATCGTGCAGG-3'